The following is an entry in ClinVar:

ClinVar aggregate classification (germline): Uncertain significance (1 of 4 stars; one submission).

gnomAD v4.1: 1 of 1,614,168 alleles (0.000062%); highest among the groups gnomAD compares: South Asian, 0.0011%; no homozygotes.

Submission:

GeneDx
Classification: Uncertain significance. Last evaluated: 2019-07-30. Review status: criteria provided, single submitter. Criteria: GeneDx Variant Classification Process June 2021. Collection method: clinical testing. Allele origin: germline. Affected: yes.
Comment: Has not been previously published as pathogenic or benign to our knowledge; Not observed in large population cohorts (Lek et al., 2016); In silico analysis, which includes protein predictors and evolutionary conservation, supports that this variant does not alter protein structure/function

NM_181703.4(GJA5):c.878C>T (p.Thr293Ile)

Gene: GJA5 (gap junction protein alpha 5; minus strand). Cytogenetic location: 1q21.2.
Variant type: single nucleotide variant.
Coding change: c.878C>T on transcript NM_181703.4 (MANE Select); coding-DNA position 878, C replaced by T.
Protein change: p.Thr293Ile; replaces threonine 293 with isoleucine.
Molecular consequence: missense variant.
Genome position (GRCh38, 1-based): chr1:147,758,361, G>A on the plus strand (C>T on the coding strand, the complement: GJA5 is on the minus strand). VCF-style: chr1-147758361-G-A. GRCh37 (hg19) VCF-style: chr1-147230469-G-A.
Other names: c.878C>T, p.Thr293Ile (NM_005266.7); short protein forms T293I.
Identifiers: ClinVar variation 1318731 (VCV001318731.2), dbSNP rs1332716726, ClinGen allele CA342394186.
Genomic context (GRCh38, chr1:147,758,361, plus strand): 5'-ATGAAACCTTCCCCAGGAGTCTGCTCCTGACCTCGTACTTGCTCGGTGACCAGGTTGTCT[G>A]TGTTTTGTTGGGAGGCCATATTATTGCTGAAGGGATTGAAGAATTTTCCCCCAGGGCCAT-3'
Protein context (NP_859054.1, residues 283-303): FSNNMASQQN[Thr293Ile]DNLVTEQVRG